The following is an entry in ClinVar:

NM_173648.4(CCDC141):c.780+6C>A

Gene: CCDC141 (coiled-coil domain containing 141; minus strand). Cytogenetic location: 2q31.2.
Variant type: single nucleotide variant.
Coding change: c.780+6C>A on transcript NM_173648.4 (MANE Select); 6 bases into the intron after coding-DNA position 780, C replaced by A.
Molecular consequence: intron variant.
Genome position (GRCh38, 1-based): chr2:178,961,224, G>T on the plus strand (C>A on the coding strand, the complement: CCDC141 is on the minus strand). VCF-style: chr2-178961224-G-T. GRCh37 (hg19) VCF-style: chr2-179825951-G-T.
Other names: c.780+6C>A (NM_001316745.2).
Identifiers: ClinVar variation 2916153 (VCV002916153.3), dbSNP rs1055699749, ClinGen allele CA61481437.

ClinVar aggregate classification (germline): Uncertain significance (1 of 4 stars; one submission).

Allele frequency attached by ClinVar (database versions not stated): gnomAD 0.00001; TOPMed 0.00001.
gnomAD v4.1: 25 of 1,549,672 alleles (0.0016%); highest among the groups gnomAD compares: Non-Finnish European, 0.0022%; no homozygotes.

Submission:

Labcorp Genetics (formerly Invitae), Labcorp
Classification: Uncertain significance. Last evaluated: 2023-07-19. Review status: criteria provided, single submitter. Criteria: Invitae Variant Classification Sherloc (09022015). Collection method: clinical testing. Allele origin: germline.
Comment: This sequence change falls in intron 5 of the CCDC141 gene. It does not directly change the encoded amino acid sequence of the CCDC141 protein. It affects a nucleotide within the consensus splice site. In summary, the available evidence is currently insufficient to determine the role of this variant in disease. Therefore, it has been classified as a Variant of Uncertain Significance. Variants that disrupt the consensus splice site are a relatively common cause of aberrant splicing (PMID: 17576681, 9536098). Algorithms developed to predict the effect of sequence changes on RNA splicing suggest that this variant is not likely to affect RNA splicing. This variant has not been reported in the literature in individuals affected with CCDC141-related conditions. This variant is not present in population databases (gnomAD no frequency).

Literature cited by the submitters: PubMed 17576681; PubMed 9536098.